The following is an entry in ClinVar:

ClinVar aggregate classification (germline): Likely benign (1 of 4 stars; one submission).

Allele frequency attached by ClinVar (database versions not stated): gnomAD exomes below 0.00001.
gnomAD v4.1: 2 of 1,614,050 alleles (0.00012%); highest among the groups gnomAD compares: Non-Finnish European, 0.00017%; no homozygotes.

Submission:

Women's Health and Genetics/Laboratory Corporation of America, LabCorp
Classification: Likely benign. Last evaluated: 2022-02-16. Review status: criteria provided, single submitter. Criteria: LabCorp Variant Classification Summary - May 2015. Collection method: clinical testing. Allele origin: germline.
Comment: Variant summary: KIAA0196 c.1695A>G alters a conserved nucleotide resulting in a synonymous change. 4/4 computational tools predict no significant impact on normal splicing. However, these predictions have yet to be confirmed by functional studies. The variant was absent in 251334 control chromosomes. The available data on variant occurrences in the general population are insufficient to allow any conclusion about variant significance. To our knowledge, no occurrence of c.1695A>G in individuals affected with Ritscher-Schinzel Syndrome 1 and no experimental evidence demonstrating its impact on protein function have been reported. No clinical diagnostic laboratories have submitted clinical-significance assessments for this variant to ClinVar after 2014. Based on the evidence outlined above, the variant was classified as likely benign.

NM_014846.4(WASHC5):c.1695A>G (p.Thr565=)

Gene: WASHC5 (WASH complex subunit 5; minus strand). Cytogenetic location: 8q24.13.
Variant type: single nucleotide variant.
Coding change: c.1695A>G on transcript NM_014846.4 (MANE Select); coding-DNA position 1695, A replaced by G.
Protein change: p.Thr565=; no amino-acid change (threonine 565 retained).
Molecular consequence: synonymous variant.
Genome position (GRCh38, 1-based): chr8:125,059,291, T>C on the plus strand (A>G on the coding strand, the complement: WASHC5 is on the minus strand). VCF-style: chr8-125059291-T-C. GRCh37 (hg19) VCF-style: chr8-126071533-T-C.
Other names: c.1251A>G, p.Thr417= (NM_001330609.2).
Identifiers: ClinVar variation 1343658 (VCV001343658.1), dbSNP rs2130097605, ClinGen allele CA462770248.
Genomic context (GRCh38, chr8:125,059,291, plus strand): 5'-GGTAGCTCTGAGTTTAGTAACCATGGATGGATTTACCCTTATGCTTTCTTGCATGATGGA[T>C]GTGAAACTGTAAAAAGAAAAGAAACGGTAAGAAGATGTTCCTAGGGCCTTTCATCTACAG-3'
Protein context (NP_055661.3, residues 555-575): SFAWQLIDSF[Thr565=]SIMQESIRVN